The following is an entry in ClinVar:

NM_017547.4(FOXRED1):c.433G>A (p.Val145Ile)

Gene: FOXRED1 (FAD dependent oxidoreductase domain containing 1; plus strand). Cytogenetic location: 11q24.2.
Variant type: single nucleotide variant.
Coding change: c.433G>A on transcript NM_017547.4 (MANE Select); coding-DNA position 433, G replaced by A.
Protein change: p.Val145Ile; replaces valine 145 with isoleucine.
Molecular consequence: missense variant. On other transcripts: non-coding transcript variant (2).
Genome position (GRCh38, 1-based): chr11:126,273,351, G>A. VCF-style: chr11-126273351-G-A. GRCh37 (hg19) VCF-style: chr11-126143246-G-A.
Other names: p.V145I:GTC>ATC; short protein forms V145I.
Identifiers: ClinVar variation 137399 (VCV000137399.21), dbSNP rs34542988, ClinGen allele CA290958.

ClinVar aggregate classification (germline): Conflicting classifications of pathogenicity. Review status: criteria provided, conflicting classifications (1 of 4 stars). 4 submissions from 4 submitters: Uncertain significance (1); Benign (2). 1 of the submissions does not count toward it. Last evaluated 2026-01-31.

Conditions:
Mitochondrial complex I deficiency, nuclear type 1. Also called: NADH-COENZYME Q REDUCTASE DEFICIENCY; MITOCHONDRIAL NADH DEHYDROGENASE COMPONENT OF COMPLEX I, DEFICIENCY OF. Identifiers: MedGen C6022305, MONDO:0100224, OMIM 252010.

Allele frequency attached by ClinVar (database versions not stated): gnomAD exomes 0.00084 and 0.00196; ExAC 0.00219; gnomAD 0.00775 and 0.00827; ESP Exome Variant Server 0.00792; TOPMed 0.00892; 1000 Genomes Project 0.00899; 1000 Genomes Project 30x 0.00937.
gnomAD v4.1: 2,480 of 1,613,196 alleles (0.15%); highest among the groups gnomAD compares: African/African-American, 2.5%; 24 homozygotes.

Submissions (4):

Labcorp Genetics (formerly Invitae), Labcorp
Classification: Benign. Last evaluated: 2026-01-31. Review status: criteria provided, single submitter. Criteria: Invitae Variant Classification Sherloc (09022015). Collection method: clinical testing. Allele origin: germline.

Illumina Laboratory Services, Illumina
Classification: Uncertain significance for Mitochondrial complex I deficiency, nuclear type 1. Last evaluated: 2018-01-13. Review status: criteria provided, single submitter. Criteria: ICSL Variant Classification Criteria 13 December 2019. Collection method: clinical testing. Allele origin: germline.

GeneDx
Classification: Benign. Last evaluated: 2013-01-31. Review status: criteria provided, single submitter. Criteria: GeneDx Variant Classification (06012015). Collection method: clinical testing. Allele origin: germline. Affected: yes.
Comment: This variant is considered likely benign or benign based on one or more of the following criteria: it is a conservative change, it occurs at a poorly conserved position in the protein, it is predicted to be benign by multiple in silico algorithms, and/or has population frequency not consistent with disease.

Mayo Clinic Laboratories, Mayo Clinic
Classification: Benign. Last evaluated: 2017-08-04. Review status: no assertion criteria provided. Collection method: clinical testing. Allele origin: unknown. Not counted in ClinVar's aggregate classification.